The following is an entry in ClinVar:

ClinVar aggregate classification (germline): Likely pathogenic (1 of 4 stars; one submission).

Conditions:
Hereditary cancer-predisposing syndrome. Also called: Neoplastic Syndromes, Hereditary; Tumor predisposition; Hereditary Cancer Syndrome; Hereditary neoplastic syndrome. Identifiers: Orphanet 140162, MedGen C0027672, MeSH D009386, MONDO:0015356.

Submission:

Ambry Genetics
Classification: Likely pathogenic for Hereditary cancer-predisposing syndrome. Last evaluated: 2026-04-10. Review status: criteria provided, single submitter. Criteria: Ambry Variant Classification Scheme 2023. Collection method: clinical testing. Allele origin: germline.
Comment: The p.Q1616P variant (also known as c.4847A>C), located in coding exon 36 of the TSC2 gene, results from an A to C substitution at nucleotide position 4847. The glutamine at codon 1616 is replaced by proline, an amino acid with similar properties. This variant was reported in individual(s) with features consistent with tuberous sclerosis complex (Ambry internal data). This amino acid position is conserved. In addition, this alteration is predicted to be deleterious by in silico analysis. This variant is considered to be rare based on population cohorts in the Genome Aggregation Database (gnomAD). Based on the majority of available evidence to date, this variant is likely to be pathogenic.

NM_000548.5(TSC2):c.4847A>C (p.Gln1616Pro)

Gene: TSC2 (TSC complex subunit 2; plus strand). Cytogenetic location: 16p13.3.
Variant type: single nucleotide variant.
Coding change: c.4847A>C on transcript NM_000548.5 (MANE Select); coding-DNA position 4847, A replaced by C.
Protein change: p.Gln1616Pro; replaces glutamine 1616 with proline.
Molecular consequence: missense variant. On other transcripts: non-coding transcript variant (5).
Genome position (GRCh38, 1-based): chr16:2,086,377, A>C. VCF-style: chr16-2086377-A-C. GRCh37 (hg19) VCF-style: chr16-2136378-A-C.
Other names: c.4646A>C, p.Gln1549Pro (NM_001077183.3); c.4778A>C, p.Gln1593Pro (NM_001114382.3); c.4538A>C, p.Gln1513Pro (NM_001318827.2); c.4502A>C, p.Gln1501Pro (NM_001318829.2); c.4115A>C, p.Gln1372Pro (NM_001318831.2); c.4679A>C, p.Gln1560Pro (NM_001318832.2); c.4649A>C, p.Gln1550Pro (NM_001363528.2); c.4715A>C, p.Gln1572Pro (NM_001370404.1); and 26 more; short protein forms Q1015P, Q1101P, Q1102P, Q1124P, Q1125P, Q1145P, Q1349P, Q1350P.
Identifiers: ClinVar variation 4866084 (VCV004866084.1).